The following is an entry in ClinVar:

ClinVar aggregate classification (germline): Pathogenic (1 of 4 stars; one submission).

Conditions:
Angelman syndrome (AS). Also called: HAPPY PUPPET SYNDROME. Identifiers: Orphanet 72, MedGen C0162635, MONDO:0007113, OMIM 105830. Disease mechanism: loss of function. Inheritance: AS is caused by disruption of maternally imprinted UBE3A located within the 15q11.2-q13 Angelman syndrome/Prader-Willi syndrome (AS/PWS) region., imprinting disorder.

Submission:

Labcorp Genetics (formerly Invitae), Labcorp
Classification: Pathogenic for Angelman syndrome. Last evaluated: 2024-04-03. Review status: criteria provided, single submitter. Criteria: Invitae Variant Classification Sherloc (09022015). Collection method: clinical testing. Allele origin: germline.
Comment: This sequence change creates a premature translational stop signal (p.Tyr569*) in the UBE3A gene. It is expected to result in an absent or disrupted protein product. Loss-of-function variants in UBE3A are known to be pathogenic (PMID: 25212744). This variant is not present in population databases (gnomAD no frequency). This variant has not been reported in the literature in individuals affected with UBE3A-related conditions. For these reasons, this variant has been classified as Pathogenic.

Literature cited by the submitters: PubMed 25212744.

NM_130839.5(UBE3A):c.1767C>G (p.Tyr589Ter)

Genes: SNHG14 (small nucleolar RNA host gene 14; plus strand), UBE3A (ubiquitin protein ligase E3A; minus strand). Cytogenetic location: 15q11.2.
Variant type: single nucleotide variant.
Coding change: c.1767C>G on transcript NM_130839.5 (MANE Select); coding-DNA position 1767, C replaced by G.
Protein change: p.Tyr589Ter; replaces tyrosine 589 with a stop codon.
Molecular consequence: nonsense. On other transcripts: non-coding transcript variant (1).
Genome position (GRCh38, 1-based): chr15:25,356,883, G>C on the plus strand (C>G on the coding strand, the complement: UBE3A is on the minus strand). VCF-style: chr15-25356883-G-C. GRCh37 (hg19) VCF-style: chr15-25602030-G-C.
Other names: c.1776C>G, p.Tyr592Ter (NM_000462.5); c.1767C>G, p.Tyr589Ter (NM_001354505.1, NM_001354545.2, NM_001354538.2); c.1707C>G, p.Tyr569Ter (NM_001354506.2, NM_001354507.2, NM_001354508.2 and 17 more transcripts); c.516C>G, p.Tyr172Ter (NM_001354550.2); c.456C>G, p.Tyr152Ter (NM_001354551.2); c.1590C>G, p.Tyr530Ter (NM_001354546.2); short protein forms Y592*, Y569*, Y152*, Y172*, Y530*, Y589*.
Identifiers: ClinVar variation 3643060 (VCV003643060.2).